The following is an entry in ClinVar:

NM_182476.3(COQ6):c.720+5G>A

Genes: COQ6 (coenzyme Q6, monooxygenase; plus strand), ENTPD5 (ectonucleoside triphosphate diphosphohydrolase 5; minus strand). Cytogenetic location: 14q24.3.
Variant type: single nucleotide variant.
Coding change: c.720+5G>A on transcript NM_182476.3 (MANE Select); 5 bases into the intron after coding-DNA position 720, G replaced by A.
Molecular consequence: intron variant. On other transcripts: 3 prime UTR variant (3).
Genome position (GRCh38, 1-based): chr14:73,959,083, G>A. VCF-style: chr14-73959083-G-A. GRCh37 (hg19) VCF-style: chr14-74425786-G-A.
Other names: c.*447C>T (NM_001330189.2, NM_001382259.1, NM_001382260.1); c.645+5G>A (NM_001425258.1, NM_182480.3); c.495+5G>A (NM_001425259.1, NM_001425261.1, NM_001425260.1); c.393+5G>A (NM_001425263.1); c.720+5G>A (NM_001425255.1, NM_001425256.1); c.180+5G>A (NM_001425265.1, NM_001425264.1); c.465+5G>A (NM_001425262.1); c.555+5G>A (NM_001425257.1); and 2 more.
Identifiers: ClinVar variation 2019965 (VCV002019965.4), dbSNP rs1281472418, ClinGen allele CA2580088709.
Genomic context (GRCh38, chr14:73,959,083, plus strand): 5'-ATGTGAGCTGGAACTATGACCAGTCTGCTGTTGTGGCTACTCTGCATTTATCAGAGGTAA[G>A]ATCCTGAGCTGCCATCTGGGGACTTTATTCATAGGCACTAGGTACTTCACAGAGAAACTT-3'

ClinVar aggregate classification (germline): Uncertain significance (1 of 4 stars; one submission).

Submission:

Labcorp Genetics (formerly Invitae), Labcorp
Classification: Uncertain significance. Last evaluated: 2022-07-27. Review status: criteria provided, single submitter. Criteria: Invitae Variant Classification Sherloc (09022015). Collection method: clinical testing. Allele origin: germline.
Comment: This sequence change falls in intron 6 of the COQ6 gene. It does not directly change the encoded amino acid sequence of the COQ6 protein. It affects a nucleotide within the consensus splice site. This variant is not present in population databases (gnomAD no frequency). This variant has not been reported in the literature in individuals affected with COQ6-related conditions. Variants that disrupt the consensus splice site are a relatively common cause of aberrant splicing (PMID: 17576681, 9536098). Algorithms developed to predict the effect of sequence changes on RNA splicing suggest that this variant may disrupt the consensus splice site. In summary, the available evidence is currently insufficient to determine the role of this variant in disease. Therefore, it has been classified as a Variant of Uncertain Significance.

Literature cited by the submitters: PubMed 17576681; PubMed 9536098.